The following is an entry in ClinVar:

ClinVar aggregate classification (germline): Uncertain significance (1 of 4 stars; one submission).

Submission:

Labcorp Genetics (formerly Invitae), Labcorp
Classification: Uncertain significance. Last evaluated: 2023-10-17. Review status: criteria provided, single submitter. Criteria: Invitae Variant Classification Sherloc (09022015). Collection method: clinical testing. Allele origin: germline.
Comment: This sequence change replaces proline, which is neutral and non-polar, with leucine, which is neutral and non-polar, at codon 1017 of the COL18A1 protein (p.Pro1017Leu). This variant is not present in population databases (gnomAD no frequency). This variant has not been reported in the literature in individuals affected with COL18A1-related conditions. ClinVar contains an entry for this variant (Variation ID: 1923475). Experimental studies and prediction algorithms are not available or were not evaluated, and the functional significance of this variant is currently unknown. In summary, the available evidence is currently insufficient to determine the role of this variant in disease. Therefore, it has been classified as a Variant of Uncertain Significance.

NM_001379500.1(COL18A1):c.3059C>T (p.Pro1020Leu)

Genes: COL18A1 (collagen type XVIII alpha 1 chain; plus strand), SLC19A1 (solute carrier family 19 member 1; minus strand). Cytogenetic location: 21q22.3.
Variant type: single nucleotide variant.
Coding change: c.3059C>T on transcript NM_001379500.1 (MANE Select); coding-DNA position 3059, C replaced by T.
Protein change: p.Pro1020Leu; replaces proline 1020 with leucine.
Molecular consequence: missense variant.
Genome position (GRCh38, 1-based): chr21:45,505,403, C>T. VCF-style: chr21-45505403-C-T. GRCh37 (hg19) VCF-style: chr21-46925317-C-T.
Other names: c.3590C>T, p.Pro1197Leu (NM_030582.4); c.4295C>T, p.Pro1432Leu (NM_130444.3); short protein forms P1020L, P1197L, P1432L.
Identifiers: ClinVar variation 1923475 (VCV001923475.3), dbSNP rs2517795023, ClinGen allele CA410499753.
Genomic context (GRCh38, chr21:45,505,403, plus strand): 5'-GTTTCTCTCCTGCAGCTATCAGCGTTCCCGGCCCTCCGGGCCCCCCTGGGCCCCCTGGGC[C>T]CCCTGGAACCATGGGCGCCTCCTCAGGGGTAAGTGTCTGGGCAGCCGGCTGGGCACCTGC-3'
Protein context (NP_001366429.1, residues 1010-1030): GPPGPPGPPG[Pro1020Leu]PGTMGASSGV